The following is an entry in ClinVar:

ClinVar aggregate classification (germline): Uncertain significance (1 of 4 stars; one submission).

Conditions:
Paroxysmal nonkinesigenic dyskinesia. Also called: Paroxysmal non-kinesigenic dyskinesia. Identifiers: Orphanet 98810, MedGen C1869117, MONDO:0700088.

Allele frequency attached by ClinVar (database versions not stated): gnomAD 0.00001 and below 0.00001; ExAC 0.00001.
gnomAD v4.1: 5 of 1,613,980 alleles (0.00031%); highest among the groups gnomAD compares: South Asian, 0.0044%; no homozygotes.

Submission:

Labcorp Genetics (formerly Invitae), Labcorp
Classification: Uncertain significance for Paroxysmal nonkinesigenic dyskinesia. Last evaluated: 2024-02-20. Review status: criteria provided, single submitter. Criteria: Invitae Variant Classification Sherloc (09022015). Collection method: clinical testing. Allele origin: germline.
Comment: This sequence change creates a premature translational stop signal (p.Lys50*) in the PNKD gene. It is expected to result in an absent or disrupted protein product. However, the current clinical and genetic evidence is not sufficient to establish whether loss-of-function variants in PNKD cause disease. This variant is present in population databases (rs780594684, gnomAD 0.003%). This variant has not been reported in the literature in individuals affected with PNKD-related conditions. ClinVar contains an entry for this variant (Variation ID: 536502). In summary, the available evidence is currently insufficient to determine the role of this variant in disease. Therefore, it has been classified as a Variant of Uncertain Significance.

NM_015488.5(PNKD):c.148A>T (p.Lys50Ter)

Gene: PNKD (PNKD metallo-beta-lactamase domain containing; plus strand). Cytogenetic location: 2q35.
Variant type: single nucleotide variant.
Coding change: c.148A>T on transcript NM_015488.5 (MANE Select); coding-DNA position 148, A replaced by T.
Protein change: p.Lys50Ter; replaces lysine 50 with a stop codon.
Molecular consequence: nonsense.
Genome position (GRCh38, 1-based): chr2:218,271,461, A>T. VCF-style: chr2-218271461-A-T. GRCh37 (hg19) VCF-style: chr2-219136184-A-T.
Other names: c.148A>T, p.Lys50Ter (NM_001077399.3); short protein forms K50*.
Identifiers: ClinVar variation 536502 (VCV000536502.8), dbSNP rs780594684, ClinGen allele CA2103255.
Genomic context (GRCh38, chr2:218,271,461, plus strand): 5'-GCTAACAAGGCTTCTCATAACAGGACCCGGGCCCTGCAAAGCCACAGCTCCCCAGAGGGC[A>T]AGGAGGAACCTGAACCCCTATCCCCGGAGCTGGAATACATTCCCAGAAAGAGGGGCAAGA-3'